The following is an entry in ClinVar:

ClinVar aggregate classification (germline): Uncertain significance (1 of 4 stars; one submission).

gnomAD v4.1: 7 of 1,614,122 alleles (0.00043%); highest among the groups gnomAD compares: Non-Finnish European, 0.00059%; no homozygotes.

Submission:

Labcorp Genetics (formerly Invitae), Labcorp
Classification: Uncertain significance. Last evaluated: 2024-02-04. Review status: criteria provided, single submitter. Criteria: Invitae Variant Classification Sherloc (09022015). Collection method: clinical testing. Allele origin: germline.
Comment: This sequence change replaces serine, which is neutral and polar, with asparagine, which is neutral and polar, at codon 254 of the TNFAIP3 protein (p.Ser254Asn). This variant is not present in population databases (gnomAD no frequency). This variant has not been reported in the literature in individuals affected with TNFAIP3-related conditions. Advanced modeling of protein sequence and biophysical properties (such as structural, functional, and spatial information, amino acid conservation, physicochemical variation, residue mobility, and thermodynamic stability) performed at Invitae indicates that this missense variant is not expected to disrupt TNFAIP3 protein function with a negative predictive value of 80%. In summary, the available evidence is currently insufficient to determine the role of this variant in disease. Therefore, it has been classified as a Variant of Uncertain Significance.

NM_001270508.2(TNFAIP3):c.761G>A (p.Ser254Asn)

Genes: TNFAIP3 (TNF alpha induced protein 3; plus strand), LOC126859807 (MED14-independent group 3 enhancer GRCh37_chr6:138196296-138197495; plus strand). Cytogenetic location: 6q23.3.
Variant type: single nucleotide variant.
Coding change: c.761G>A on transcript NM_001270508.2 (MANE Select); coding-DNA position 761, G replaced by A.
Protein change: p.Ser254Asn; replaces serine 254 with asparagine.
Molecular consequence: missense variant.
Genome position (GRCh38, 1-based): chr6:137,876,122, G>A. VCF-style: chr6-137876122-G-A. GRCh37 (hg19) VCF-style: chr6-138197259-G-A.
Other names: c.761G>A, p.Ser254Asn (NM_001270507.2, NM_006290.4); short protein forms S254N.
Identifiers: ClinVar variation 3677856 (VCV003677856.2).